The following is an entry in ClinVar:

NM_201384.3(PLEC):c.6039G>C (p.Arg2013=)

Gene: PLEC (plectin; minus strand). Cytogenetic location: 8q24.3.
Variant type: single nucleotide variant.
Coding change: c.6039G>C on transcript NM_201384.3 (MANE Select); coding-DNA position 6039, G replaced by C.
Protein change: p.Arg2013=; no amino-acid change (arginine 2013 retained).
Molecular consequence: synonymous variant.
Genome position (GRCh38, 1-based): chr8:143,923,890, C>G on the plus strand (G>C on the coding strand, the complement: PLEC is on the minus strand). VCF-style: chr8-143923890-C-G. GRCh37 (hg19) VCF-style: chr8-144998058-C-G.
Other names: c.6120G>C, p.Arg2040= (NM_000445.5); c.5997G>C, p.Arg1999= (NM_201378.4); c.5973G>C, p.Arg1991= (NM_201379.3); c.6450G>C, p.Arg2150= (NM_201380.4); c.5943G>C, p.Arg1981= (NM_201381.3); c.6039G>C, p.Arg2013= (NM_201382.4); c.6051G>C, p.Arg2017= (NM_201383.3); c.6120G>C (NM_000445.4).
Identifiers: ClinVar variation 513882 (VCV000513882.10), dbSNP rs781907706, ClinGen allele CA4926131.

ClinVar aggregate classification (germline): Likely benign. Review status: criteria provided, multiple submitters, no conflicts (2 of 4 stars). 3 submissions from 3 submitters: Likely benign (3). Last evaluated 2026-04-02.

Conditions:
PLEC-related disorder. Also called: PLEC-related condition; PLEC-related disorders.
Autosomal recessive limb-girdle muscular dystrophy type 2Q (LGMDR17). Also called: MUSCULAR DYSTROPHY, LIMB-GIRDLE, AUTOSOMAL RECESSIVE 17. Identifiers: Orphanet 254361, MedGen C3150989, MONDO:0013390, OMIM 613723.
Epidermolysis bullosa simplex 5B, with muscular dystrophy (EBS5B). Also called: EPIDERMOLYSIS BULLOSA SIMPLEX AND LIMB-GIRDLE MUSCULAR DYSTROPHY; Epidermolysis bullosa simplex with muscular dystrophy. Identifiers: Orphanet 257, MedGen C2931072, MONDO:0009181, OMIM 226670.
Epidermolysis bullosa simplex, Ogna type (EBS5A). Also called: Pidermolysis bullosa simplex 5A, Ogna type; EPIDERMOLYSIS BULLOSA SIMPLEX 5A, OGNA TYPE. Identifiers: Orphanet 79401, MedGen C0432317, MONDO:0007555, OMIM 131950.
Epidermolysis bullosa simplex with nail dystrophy (EBS5D). Identifiers: MedGen C4225309, MONDO:0014661, OMIM 616487.
Epidermolysis bullosa simplex 5C, with pyloric atresia (EBS5C). Also called: PLEC-Related Epidermolysis Bullosa with Pyloric Atresia; Epidermolysis bullosa simplex with pyloric atresia; PLEC1-Related Epidermolysis Bullosa with Pyloric Atresia. Identifiers: Orphanet 158684, MedGen C2677349, MONDO:0012807, OMIM 612138.

Allele frequency attached by ClinVar (database versions not stated): ExAC 0.00001; gnomAD 0.00001; TOPMed 0.00002.
gnomAD v4.1: 13 of 1,594,538 alleles (0.00082%); highest among the groups gnomAD compares: Admixed American, 0.0067%; no homozygotes.

Submissions (3):

PreventionGenetics, part of Exact Sciences
Classification: Likely benign for PLEC-related condition. Last evaluated: 2026-04-02. Review status: criteria provided, single submitter. Criteria: ACMG Guidelines, 2015. Collection method: clinical testing. Allele origin: germline.
Comment: This variant is classified as likely benign based on ACMG/AMP sequence variant interpretation guidelines (Richards et al. 2015 PMID: 25741868, with internal and published modifications).

Labcorp Genetics (formerly Invitae), Labcorp
Classification: Likely benign for Autosomal recessive limb-girdle muscular dystrophy type 2Q; Epidermolysis bullosa simplex, Ogna type; Epidermolysis bullosa simplex with nail dystrophy; Epidermolysis bullosa simplex 5C, with pyloric atresia; Epidermolysis bullosa simplex 5B, with muscular dystrophy. Last evaluated: 2025-10-02. Review status: criteria provided, single submitter. Criteria: Invitae Variant Classification Sherloc (09022015). Collection method: clinical testing. Allele origin: germline.

GeneDx
Classification: Likely benign. Last evaluated: 2017-11-28. Review status: criteria provided, single submitter. Criteria: GeneDx Variant Classification (06012015). Collection method: clinical testing. Allele origin: germline. Affected: yes.
Comment: This variant is considered likely benign or benign based on one or more of the following criteria: it is a conservative change, it occurs at a poorly conserved position in the protein, it is predicted to be benign by multiple in silico algorithms, and/or has population frequency not consistent with disease.